The following is an entry in ClinVar:

NM_206933.4(USH2A):c.242dup (p.Arg82fs)

Gene: USH2A (usherin; minus strand). Cytogenetic location: 1q41.
Variant type: Duplication.
Coding change: c.242dup on transcript NM_206933.4 (MANE Select); coding-DNA position 242, one base duplicated (A; older notation c.242dupA).
Protein change: p.Arg82fs; shifts the reading frame from arginine 82.
Molecular consequence: frameshift variant.
Genome position (GRCh38, 1-based): chr1:216,422,095, T duplicated on the plus strand (A on the coding strand, the reverse complement: USH2A is on the minus strand). VCF-style (leftmost placement, unchanged base first): chr1-216422094-C-CT. GRCh37 (hg19) VCF-style: chr1-216595436-C-CT.
Other names: c.242dup, p.Arg82fs (NM_007123.6); short protein forms R82fs.
Identifiers: ClinVar variation 1412876 (VCV001412876.6), dbSNP rs2102788764, ClinGen allele CA2573132663.

ClinVar aggregate classification (germline): Pathogenic (1 of 4 stars; one submission).

Submission:

Labcorp Genetics (formerly Invitae), Labcorp
Classification: Pathogenic. Last evaluated: 2021-09-25. Review status: criteria provided, single submitter. Criteria: Invitae Variant Classification Sherloc (09022015). Collection method: clinical testing. Allele origin: germline.
Comment: This sequence change creates a premature translational stop signal (p.Arg82Alafs*26) in the USH2A gene. It is expected to result in an absent or disrupted protein product. Loss-of-function variants in USH2A are known to be pathogenic (PMID: 10729113, 10909849, 20507924, 25649381). This variant is not present in population databases (ExAC no frequency). This variant has not been reported in the literature in individuals affected with USH2A-related conditions. For these reasons, this variant has been classified as Pathogenic.

Literature cited by the submitters: PubMed 10729113; PubMed 10909849; PubMed 20507924; PubMed 25649381.